The following is an entry in ClinVar:

ClinVar aggregate classification (germline): Conflicting classifications of pathogenicity. Review status: criteria provided, conflicting classifications (1 of 4 stars). 6 submissions from 6 submitters: Uncertain significance (3); Likely benign (2). 1 of the submissions does not count toward it. Last evaluated 2026-04-01.

Conditions:
Cardiovascular phenotype. Identifiers: MedGen CN230736.
ZNF469-related disorder. Also called: ZNF469-related condition.

Allele frequency attached by ClinVar (database versions not stated): gnomAD exomes 0.00009 and 0.00011; gnomAD 0.00015 and 0.00016; TOPMed 0.00016; ExAC 0.00020; ESP Exome Variant Server 0.00022.
gnomAD v4.1: 180 of 1,550,766 alleles (0.012%); highest among the groups gnomAD compares: Middle Eastern, 0.033%; 1 homozygote.

Submissions (6):

Women's Health and Genetics/Laboratory Corporation of America, LabCorp
Classification: Uncertain significance. Last evaluated: 2026-04-01. Review status: criteria provided, single submitter. Criteria: LabCorp Variant Classification Summary - May 2015. Collection method: clinical testing. Allele origin: germline.
Comment: Variant summary: ZNF469 c.8252C>T (p.Ser2751Leu) results in a non-conservative amino acid change in the encoded protein sequence. Algorithms developed to predict the effect of missense changes on protein structure and function are either unavailable or do not agree on the potential impact of this missense change. The variant allele was found at a frequency of 9.1e-05 in 154032 control chromosomes. This frequency is not significantly higher than estimated for disease-causing variants in ZNF469, allowing no conclusion about variant significance. To our knowledge, no occurrence of c.8252C>T in individuals affected with ZNF469-related conditions and no experimental evidence demonstrating its impact on protein function have been reported. ClinVar contains an entry for this variant (Variation ID: 1432596). Based on the evidence outlined above, the variant was classified as uncertain significance.

Mayo Clinic Laboratories, Mayo Clinic
Classification: Likely benign. Last evaluated: 2025-10-16. Review status: criteria provided, single submitter. Criteria: ACMG Guidelines, 2015. Collection method: clinical testing. Allele origin: germline. Observed: 1 variant allele.
Comment: BS1, BP4_moderate

GeneDx
Classification: Uncertain significance. Last evaluated: 2025-06-17. Review status: criteria provided, single submitter. Criteria: GeneDx Variant Classification Process June 2021. Collection method: clinical testing. Allele origin: germline. Affected: yes.
Comment: Has not been previously published as pathogenic or benign to our knowledge; In silico analysis suggests that this missense variant does not alter protein structure/function

Labcorp Genetics (formerly Invitae), Labcorp
Classification: Uncertain significance. Last evaluated: 2022-10-14. Review status: criteria provided, single submitter. Criteria: Invitae Variant Classification Sherloc (09022015). Collection method: clinical testing. Allele origin: germline.
Comment: This sequence change replaces serine, which is neutral and polar, with leucine, which is neutral and non-polar, at codon 2723 of the ZNF469 protein (p.Ser2723Leu). This variant is present in population databases (rs376638940, gnomAD 0.02%). This variant has not been reported in the literature in individuals affected with ZNF469-related conditions. ClinVar contains an entry for this variant (Variation ID: 1432596). Algorithms developed to predict the effect of missense changes on protein structure and function output the following: SIFT: "Tolerated"; PolyPhen-2: "Benign"; Align-GVGD: "Class C0". The leucine amino acid residue is found in multiple mammalian species, which suggests that this missense change does not adversely affect protein function. In summary, the available evidence is currently insufficient to determine the role of this variant in disease. Therefore, it has been classified as a Variant of Uncertain Significance.

Ambry Genetics
Classification: Likely benign for Cardiovascular phenotype. Last evaluated: 2022-06-16. Review status: criteria provided, single submitter. Criteria: Ambry Variant Classification Scheme 2023. Collection method: clinical testing. Allele origin: germline.

PreventionGenetics, part of Exact Sciences
Classification: Uncertain significance for ZNF469-related condition. Last evaluated: 2024-02-12. Review status: no assertion criteria provided. Collection method: clinical testing. Allele origin: germline. Not counted in ClinVar's aggregate classification.
Comment: The ZNF469 c.8168C>T variant is predicted to result in the amino acid substitution p.Ser2723Leu. To our knowledge, this variant has not been reported in the literature. This variant is reported in 0.020% of alleles in individuals of European (Non-Finnish) descent in gnomAD. At this time, the clinical significance of this variant is uncertain due to the absence of conclusive functional and genetic evidence.

NM_001367624.2(ZNF469):c.8252C>T (p.Ser2751Leu)

Gene: ZNF469 (zinc finger protein 469; plus strand). Cytogenetic location: 16q24.2.
Variant type: single nucleotide variant.
Coding change: c.8252C>T on transcript NM_001367624.2 (MANE Select); coding-DNA position 8252, C replaced by T.
Protein change: p.Ser2751Leu; replaces serine 2751 with leucine.
Molecular consequence: missense variant.
Genome position (GRCh38, 1-based): chr16:88,435,722, C>T. VCF-style: chr16-88435722-C-T. GRCh37 (hg19) VCF-style: chr16-88502130-C-T.
Other names: NM_001127464.1:c.8168C>T; NM_001127464.2:c.8168C>T; p.Ser2751Leu; short protein forms S2751L.
Identifiers: ClinVar variation 1432596 (VCV001432596.14), dbSNP rs376638940, ClinGen allele CA8225317.
Genomic context (GRCh38, chr16:88,435,722, plus strand): 5'-GTCCAGGGAGGATGGATGGTGCAGCTCTGGGGGAACAGCCAACTGGGCAGAAGGGAGCCT[C>T]GGCAAGGGGGTTCTGGGGACCAAGAGAGACCAAGGCGTTGGGTGTGTGCAAAGAGTCTGG-3'
Protein context (NP_001354553.1, residues 2741-2761): GEQPTGQKGA[Ser2751Leu]ARGFWGPRET